The following is an entry in ClinVar:

NM_000154.2(GALK1):c.853_874del (p.Ile285fs)

Gene: GALK1 (galactokinase 1; minus strand). Cytogenetic location: 17q25.1.
Variant type: Deletion.
Coding change: c.853_874del on transcript NM_000154.2 (MANE Select); coding-DNA positions 853 to 874, 22 bases deleted (ATTCGGCGCACGGCCCAGGCAG).
Protein change: p.Ile285fs; shifts the reading frame from isoleucine 285.
Molecular consequence: frameshift variant.
Genome position (GRCh38, 1-based): chr17:75,758,519-75,758,540, CTGCCTGGGCCGTGCGCCGAAT deleted on the plus strand (ATTCGGCGCACGGCCCAGGCAG on the coding strand, the reverse complement: GALK1 is on the minus strand); deleting any 22 consecutive bases within chr17:75,758,519-75,758,542 gives the same sequence; the c. name uses the placement nearest the transcript's 3' end. VCF-style (leftmost placement, unchanged base first): chr17-75758518-GCTGCCTGGGCCGTGCGCCGAAT-G. GRCh37 (hg19) VCF-style: chr17-73754599-GCTGCCTGGGCCGTGCGCCGAAT-G.
Other names: short protein forms I285fs.
Identifiers: ClinVar variation 558505 (VCV000558505.30), dbSNP rs770087254, ClinGen allele CA8770802.

ClinVar aggregate classification (germline): Pathogenic/Likely pathogenic. Review status: criteria provided, multiple submitters, no conflicts (2 of 4 stars). 6 submissions from 6 submitters: Pathogenic (2); Likely pathogenic (2). 2 of the submissions do not count toward it. Last evaluated 2024-09-01.

Conditions:
Deficiency of galactokinase. Also called: GALACTOSEMIA II; Galactokinase deficiency with cataracts. Identifiers: Orphanet 352, Orphanet 79237, MedGen C0268155, MONDO:0009255, OMIM 230200.

Submissions (6):

CeGaT Center for Human Genetics Tuebingen
Classification: Pathogenic. Last evaluated: 2024-09-01. Review status: criteria provided, single submitter. Criteria: CeGaT Center For Human Genetics Tuebingen Variant Classification Criteria Version 2. Collection method: clinical testing. Allele origin: germline. Affected: yes. Observed: 2 variant alleles.
Comment: GALK1: PVS1, PM2, PP4:Moderate, PM3:Supporting

Fulgent Genetics
Classification: Likely pathogenic for Deficiency of galactokinase. Last evaluated: 2024-01-17. Review status: criteria provided, single submitter. Criteria: ACMG Guidelines, 2015. Collection method: clinical testing. Allele origin: germline.

Labcorp Genetics (formerly Invitae), Labcorp
Classification: Pathogenic for Deficiency of galactokinase. Last evaluated: 2023-05-31. Review status: criteria provided, single submitter. Criteria: Invitae Variant Classification Sherloc (09022015). Collection method: clinical testing. Allele origin: germline.
Comment: This variant is present in population databases (rs770087254, gnomAD 0.008%). This variant has not been reported in the literature in individuals affected with GALK1-related conditions. ClinVar contains an entry for this variant (Variation ID: 558505). This sequence change creates a premature translational stop signal (p.Ile285Argfs*4) in the GALK1 gene. It is expected to result in an absent or disrupted protein product. Loss-of-function variants in GALK1 are known to be pathogenic (PMID: 7670469, 10790206). For these reasons, this variant has been classified as Pathogenic.

Revvity Omics, Revvity
Classification: Likely pathogenic for Deficiency of galactokinase. Last evaluated: 2021-04-22. Review status: criteria provided, single submitter. Criteria: ACMG Guidelines, 2015. Collection method: clinical testing. Allele origin: germline.

Counsyl
Classification: Likely pathogenic for Deficiency of galactokinase. Last evaluated: 2018-05-23. Review status: no assertion criteria provided. Collection method: clinical testing. Allele origin: unknown. Not counted in ClinVar's aggregate classification.

Hong-Tao Li Lab, Institute of Brain Science and Brain-inspired Research, Shandong First Medical University & Shandong Academy of Medical Sciences China
Classification: Pathogenic for Deficiency of galactokinase. Review status: no assertion criteria provided. Collection method: research. Allele origin: germline. Inheritance: Autosomal recessive inheritance. Affected: yes. Observed: 1 variant allele, 1 homozygote. Not counted in ClinVar's aggregate classification.
Comment: Observed in affected individuals from a Pakistani neurodevelopmental-disorder research cohort of 263 individuals. Classification assigned using the ACMG/AMP framework. Population-frequency evidence: gnomAD AF 5.05e-06.

Literature cited by the submitters: PubMed 7670469 (cited by Labcorp Genetics (formerly Invitae), Labcorp); PubMed 10790206 (cited by Labcorp Genetics (formerly Invitae), Labcorp).